The following is an entry in ClinVar:

NM_000027.4(AGA):c.200_201del (p.Glu67fs)

Gene: AGA (aspartylglucosaminidase; minus strand). Cytogenetic location: 4q34.3.
Variant type: Microsatellite.
Coding change: c.200_201del on transcript NM_000027.4 (MANE Select); coding-DNA positions 200 to 201, 2 bases deleted (AG; older notation c.200_201delAG).
Protein change: p.Glu67fs; shifts the reading frame from glutamic acid 67.
Molecular consequence: frameshift variant. On other transcripts: non-coding transcript variant (1).
Genome position (GRCh38, 1-based): chr4:177,440,353-177,440,354, CT deleted on the plus strand (AG on the coding strand, the reverse complement: AGA is on the minus strand); deleting any 2 consecutive bases within chr4:177,440,353-177,440,361 gives the same sequence; the c. name uses the placement nearest the transcript's 3' end. VCF-style (leftmost placement, unchanged base first): chr4-177440352-GCT-G. GRCh37 (hg19) VCF-style: chr4-178361506-GCT-G.
Other names: c.200_201del (NM_000027.3); c.200_201del, p.Glu67fs (NM_001171988.2); short protein forms E67fs.
Identifiers: ClinVar variation 55939 (VCV000055939.27), dbSNP rs386833420, ClinGen allele CA144014.
Genomic context (GRCh38, chr4:177,440,352, plus strand): 5'-CTAGTGTGGTTTCTCCAAGTTCATCAGGACTTCCTCCAAAGCCTACAGAGCCGTCACACT[GCT>G]CTCTCTCACACATGGCACAGCCGCTCTCCACTGCATCCAGGGCAGAGCCTCCAGATGCTA-3'

ClinVar aggregate classification (germline): Pathogenic. Review status: criteria provided, multiple submitters, no conflicts (2 of 4 stars). 7 submissions from 7 submitters: Pathogenic (5). 2 of the submissions do not count toward it. Last evaluated 2025-04-19.

Conditions:
Aspartylglucosaminuria (AGU). Also called: GLYCOASPARAGINASE; GLYCOSYLASPARAGINASE DEFICIENCY; Aspartylglucos-aminuria; Aspartylglucos-amidase (AGA) deficiency; AGA DEFICIENCY. Identifiers: Orphanet 93, MedGen C0268225, MONDO:0008830, OMIM 208400, HP:0012068.

Submissions (7):

Natera, Inc.
Classification: Pathogenic for Aspartylglucosaminuria. Last evaluated: 2025-04-19. Review status: criteria provided, single submitter. Criteria: Natera Variant Classification Schema (03/2026). Collection method: clinical testing. Allele origin: germline.
Comment: The c.200_201delAG variant in AGA is a frameshift variant predicted to shift the reading frame beginning at codon 67 and leads to a stop codon 3 codons downstream. This variant is expected to result in nonsense mediated decay, truncation, or a dysfunctional protein product. This variant is rare in the general population with a frequency below the threshold expected for the associated phenotype(s). This variant has been observed in one or more individuals affected with the associated recessive disease, as either homozygous or compound heterozygous with a second variant (PMID: 7627186). Additionally, this variant has been observed to segregate in affected family members (PMID: 7627186). Given the available evidence, this variant is classified as Pathogenic.

Fulgent Genetics
Classification: Pathogenic for Aspartylglucosaminuria. Last evaluated: 2024-03-18. Review status: criteria provided, single submitter. Criteria: ACMG Guidelines, 2015. Collection method: clinical testing. Allele origin: germline.

Labcorp Genetics (formerly Invitae), Labcorp
Classification: Pathogenic for Aspartylglucosaminuria. Last evaluated: 2023-04-28. Review status: criteria provided, single submitter. Criteria: Invitae Variant Classification Sherloc (09022015). Collection method: clinical testing. Allele origin: germline.
Comment: For these reasons, this variant has been classified as Pathogenic. ClinVar contains an entry for this variant (Variation ID: 55939). This premature translational stop signal has been observed in individuals with aspartylglucosaminuria (PMID: 7627186). This variant is present in population databases (rs386833420, gnomAD 0.002%). This sequence change creates a premature translational stop signal (p.Glu67Alafs*3) in the AGA gene. It is expected to result in an absent or disrupted protein product. Loss-of-function variants in AGA are known to be pathogenic (PMID: 7627186, 11309371).

Centre for Mendelian Genomics, University Medical Centre Ljubljana
Classification: Pathogenic for Aspartylglucosaminuria. Last evaluated: 2019-01-15. Review status: criteria provided, single submitter. Criteria: ACMG Guidelines, 2015. Collection method: clinical testing. Allele origin: unknown. Affected: yes.
Comment: This variant was classified as: Pathogenic. The following ACMG criteria were applied in classifying this variant: PVS1,PM2,PP5.

Eurofins Ntd Llc (ga)
Classification: Pathogenic. Last evaluated: 2015-02-20. Review status: criteria provided, single submitter. Criteria: EGL Classification Definitions 2015. Collection method: clinical testing. Allele origin: germline.

Counsyl
Classification: Likely pathogenic for Aspartylglycosaminuria. Last evaluated: 2014-11-25. Review status: no assertion criteria provided. Collection method: literature only. Allele origin: unknown. Inheritance: Autosomal recessive inheritance. Not counted in ClinVar's aggregate classification.

Juha Muilu Group; Institute for Molecular Medicine Finland (FIMM)
Classification: Likely pathogenic for Aspartylglycosaminuria. Review status: no assertion criteria provided. Collection method: not provided. Allele origin: unknown. Not counted in ClinVar's aggregate classification.
Comment: FinDis database variant: This variant was not found or characterized by our laboratory, data were collected from public sources: see reference
ClinVar note: Converted during submission from probable-pathogenic to Likely pathogenic.

Literature cited by the submitters: PubMed 7627186 (cited by 3 submitters); PubMed 11309371 (cited by Labcorp Genetics (formerly Invitae), Labcorp).